The following is an entry in ClinVar:

ClinVar aggregate classification (germline): Likely benign. Review status: criteria provided, multiple submitters, no conflicts (2 of 4 stars). 2 submissions from 2 submitters: Likely benign (2). Last evaluated 2024-05-22.

Conditions:
Wilson disease (WND). Also called: Wilson's disease. Identifiers: Orphanet 905, MedGen C0019202, MONDO:0010200, OMIM 277900. Disease mechanism: loss of function.

Submissions (2):

Labcorp Genetics (formerly Invitae), Labcorp
Classification: Likely benign for Wilson disease. Last evaluated: 2024-05-22. Review status: criteria provided, single submitter. Criteria: Invitae Variant Classification Sherloc (09022015). Collection method: clinical testing. Allele origin: germline.

All of Us Research Program, National Institutes of Health
Classification: Likely benign for Wilson disease. Last evaluated: 2024-04-25. Review status: criteria provided, single submitter. Criteria: ACMG Guidelines, 2015. Collection method: clinical testing. Allele origin: germline. Inheritance: Autosomal recessive inheritance. Observed: 1 variant allele, 1 heterozygote.
Comment: This study involves interpretation of variants in research participants for the purpose of population health screening. Participant phenotype was not available at the time of variant classification. Additional details can be found in publication PMID: 35346344, PMCID: PMC8962531

NM_000053.4(ATP7B):c.3057C>T (p.His1019=)

Gene: ATP7B (ATPase copper transporting beta; minus strand). Cytogenetic location: 13q14.3.
Variant type: single nucleotide variant.
Coding change: c.3057C>T on transcript NM_000053.4 (MANE Select); coding-DNA position 3057, C replaced by T.
Protein change: p.His1019=; no amino-acid change (histidine 1019 retained).
Molecular consequence: synonymous variant.
Genome position (GRCh38, 1-based): chr13:51,946,287, G>A on the plus strand (C>T on the coding strand, the complement: ATP7B is on the minus strand). VCF-style: chr13-51946287-G-A. GRCh37 (hg19) VCF-style: chr13-52520423-G-A.
Other names: c.2436C>T, p.His812= (NM_001005918.3); c.2724C>T, p.His908= (NM_001243182.2); c.2823C>T, p.His941= (NM_001330578.2); c.2805C>T, p.His935= (NM_001330579.2).
Identifiers: ClinVar variation 795701 (VCV000795701.11), dbSNP rs1352113797, ClinGen allele CA483894865.